The following is an entry in ClinVar:

ClinVar aggregate classification (germline): Conflicting classifications of pathogenicity. Review status: criteria provided, conflicting classifications (1 of 4 stars). 4 submissions from 4 submitters: Uncertain significance (2); Likely benign (2). Last evaluated 2025-06-02.

Conditions:
Pallister-Hall syndrome (PHS). Also called: GLI3-Related Pallister-Hall Syndrome; HYPOTHALAMIC HAMARTOBLASTOMA, HYPOPITUITARISM, IMPERFORATE ANUS, AND POSTAXIAL POLYDACTYLY. Identifiers: Orphanet 672, MedGen C0265220, MONDO:0007804, OMIM 146510.
Greig cephalopolysyndactyly syndrome (GCPS). Also called: GLI3-Related Greig Cephalopolysyndactyly Syndrome; POLYSYNDACTYLY WITH PECULIAR SKULL SHAPE; Greig syndrome. Identifiers: Orphanet 380, MedGen C0265306, MONDO:0008287, OMIM 175700.
GLI3-related disorder. Also called: GLI3-related condition; GLI3-related disorders. Identifiers: MedGen CN239292.
Polysyndactyly 4. Also called: Polysyndactyly uncomplicated; Preaxial polydactyly 4. Identifiers: Orphanet 93338, MedGen C1868111, MONDO:0008272, OMIM 174700.
Polydactyly, postaxial, type A1. Identifiers: MedGen C4282400, MONDO:0008266, OMIM 174200.

Allele frequency attached by ClinVar (database versions not stated): TOPMed 0.00004; gnomAD 0.00005 and 0.00006; ESP Exome Variant Server 0.00008.
gnomAD v4.1: 115 of 1,614,044 alleles (0.0071%); highest among the groups gnomAD compares: Middle Eastern, 0.066%; no homozygotes.

Submissions (4):

PreventionGenetics, part of Exact Sciences
Classification: Likely benign for GLI3-related condition. Last evaluated: 2025-06-02. Review status: criteria provided, single submitter. Criteria: ACMG Guidelines, 2015. Collection method: clinical testing. Allele origin: germline.
Comment: This variant is classified as likely benign based on ACMG/AMP sequence variant interpretation guidelines (Richards et al. 2015 PMID: 25741868, with internal and published modifications).

Labcorp Genetics (formerly Invitae), Labcorp
Classification: Likely benign for Pallister-Hall syndrome; Greig cephalopolysyndactyly syndrome. Last evaluated: 2022-12-06. Review status: criteria provided, single submitter. Criteria: Invitae Variant Classification Sherloc (09022015). Collection method: clinical testing. Allele origin: germline.

Fulgent Genetics
Classification: Uncertain significance for Pallister-Hall syndrome; Polydactyly, postaxial, type A1; Polysyndactyly 4; Greig cephalopolysyndactyly syndrome. Last evaluated: 2021-11-10. Review status: criteria provided, single submitter. Criteria: ACMG Guidelines, 2015. Collection method: clinical testing. Allele origin: unknown.

Eurofins Ntd Llc (ga)
Classification: Uncertain significance. Last evaluated: 2016-03-02. Review status: criteria provided, single submitter. Criteria: EGL Classification Definitions 2015. Collection method: clinical testing. Allele origin: germline. Observed: 1 variant allele, 1 heterozygote.

NM_000168.6(GLI3):c.223C>G (p.Pro75Ala)

Gene: GLI3 (GLI family zinc finger 3; minus strand). Cytogenetic location: 7p14.1.
Variant type: single nucleotide variant.
Coding change: c.223C>G on transcript NM_000168.6 (MANE Select); coding-DNA position 223, C replaced by G.
Protein change: p.Pro75Ala; replaces proline 75 with alanine.
Molecular consequence: missense variant.
Genome position (GRCh38, 1-based): chr7:42,148,370, G>C on the plus strand (C>G on the coding strand, the complement: GLI3 is on the minus strand). VCF-style: chr7-42148370-G-C. GRCh37 (hg19) VCF-style: chr7-42187969-G-C.
Other names: c.223C>G (NM_000168.5); short protein forms P75A.
Identifiers: ClinVar variation 286374 (VCV000286374.15), dbSNP rs369237977, ClinGen allele CA4231275.